The following is an entry in ClinVar:

ClinVar aggregate classification (germline): Uncertain significance (1 of 4 stars; one submission).

Allele frequency attached by ClinVar (database versions not stated): gnomAD exomes below 0.00001; gnomAD 0.00002; TOPMed 0.00003.
gnomAD v4.1: 4 of 1,612,620 alleles (0.00025%); highest among the groups gnomAD compares: African/African-American, 0.0053%; no homozygotes.

Submission:

Labcorp Genetics (formerly Invitae), Labcorp
Classification: Uncertain significance. Last evaluated: 2022-10-17. Review status: criteria provided, single submitter. Criteria: Invitae Variant Classification Sherloc (09022015). Collection method: clinical testing. Allele origin: germline.
Comment: In summary, the available evidence is currently insufficient to determine the role of this variant in disease. Therefore, it has been classified as a Variant of Uncertain Significance. Algorithms developed to predict the effect of missense changes on protein structure and function (SIFT, PolyPhen-2, Align-GVGD) all suggest that this variant is likely to be disruptive. ClinVar contains an entry for this variant (Variation ID: 1045178). This variant has not been reported in the literature in individuals affected with CWC27-related conditions. This variant is present in population databases (no rsID available, gnomAD 0.01%). This sequence change replaces aspartic acid, which is acidic and polar, with valine, which is neutral and non-polar, at codon 234 of the CWC27 protein (p.Asp234Val).

NM_005869.4(CWC27):c.701A>T (p.Asp234Val)

Gene: CWC27 (CWC27 spliceosome associated cyclophilin; plus strand). Cytogenetic location: 5q12.3.
Variant type: single nucleotide variant.
Coding change: c.701A>T on transcript NM_005869.4 (MANE Select); coding-DNA position 701, A replaced by T.
Protein change: p.Asp234Val; replaces aspartic acid 234 with valine.
Molecular consequence: missense variant.
Genome position (GRCh38, 1-based): chr5:64,800,279, A>T. VCF-style: chr5-64800279-A-T. GRCh37 (hg19) VCF-style: chr5-64096106-A-T.
Other names: c.701A>T, p.Asp234Val (NM_001297644.1, NM_001297645.2, NM_001318000.2 and 1 more transcripts); short protein forms D234V.
Identifiers: ClinVar variation 1045178 (VCV001045178.8), dbSNP rs1158015032, ClinGen allele CA359831824.